The following is an entry in ClinVar:

NM_000445.5(PLEC):c.107C>G (p.Thr36Arg)

Gene: PLEC (plectin; minus strand). Cytogenetic location: 8q24.3.
Variant type: single nucleotide variant.
Coding change: c.107C>G on transcript NM_000445.5; coding-DNA position 107, C replaced by G.
Protein change: p.Thr36Arg; replaces threonine 36 with arginine.
Molecular consequence: missense variant.
Genome position (GRCh38, 1-based): chr8:143,975,263, G>C on the plus strand (C>G on the coding strand, the complement: PLEC is on the minus strand). VCF-style: chr8-143975263-G-C. GRCh37 (hg19) VCF-style: chr8-145049431-G-C.
Other names: c.107C>G, p.Thr36Arg (NM_001410941.1); short protein forms T36R.
Identifiers: ClinVar variation 1023584 (VCV001023584.6), dbSNP rs377391128, ClinGen allele CA372491807.
Genomic context (GRCh38, chr8:143,975,263, plus strand): 5'-GCTGGGTCCAGGACACTCCCGTTGCTCCCAGCGCCACCCCCGCTGCGCCGGCTCCGCTGC[G>C]TTTTCCCAAGGTTCCAGGGCAGTGTGTCCCCAGGGCTGGGCGAGCCACTGCTTCCATTGG-3'

ClinVar aggregate classification (germline): Uncertain significance (1 of 4 stars; one submission).

Conditions:
Epidermolysis bullosa simplex with nail dystrophy (EBS5D). Identifiers: MedGen C4225309, MONDO:0014661, OMIM 616487.
Autosomal recessive limb-girdle muscular dystrophy type 2Q (LGMDR17). Also called: MUSCULAR DYSTROPHY, LIMB-GIRDLE, AUTOSOMAL RECESSIVE 17. Identifiers: Orphanet 254361, MedGen C3150989, MONDO:0013390, OMIM 613723.
Epidermolysis bullosa simplex, Ogna type (EBS5A). Also called: Pidermolysis bullosa simplex 5A, Ogna type; EPIDERMOLYSIS BULLOSA SIMPLEX 5A, OGNA TYPE. Identifiers: Orphanet 79401, MedGen C0432317, MONDO:0007555, OMIM 131950.
Epidermolysis bullosa simplex 5B, with muscular dystrophy (EBS5B). Also called: Epidermolysis bullosa simplex with muscular dystrophy; EPIDERMOLYSIS BULLOSA SIMPLEX AND LIMB-GIRDLE MUSCULAR DYSTROPHY. Identifiers: Orphanet 257, MedGen C2931072, MONDO:0009181, OMIM 226670.
Epidermolysis bullosa simplex 5C, with pyloric atresia (EBS5C). Also called: PLEC-Related Epidermolysis Bullosa with Pyloric Atresia; Epidermolysis bullosa simplex with pyloric atresia; PLEC1-Related Epidermolysis Bullosa with Pyloric Atresia. Identifiers: Orphanet 158684, MedGen C2677349, MONDO:0012807, OMIM 612138.

Allele frequency attached by ClinVar (database versions not stated): gnomAD 0.00001; gnomAD exomes below 0.00001.
gnomAD v4.1: 1 of 1,608,846 alleles (0.000062%); highest among the groups gnomAD compares: East Asian, 0.0022%; no homozygotes.

Submission:

Labcorp Genetics (formerly Invitae), Labcorp
Classification: Uncertain significance for Autosomal recessive limb-girdle muscular dystrophy type 2Q; Epidermolysis bullosa simplex, Ogna type; Epidermolysis bullosa simplex with nail dystrophy; Epidermolysis bullosa simplex 5C, with pyloric atresia; Epidermolysis bullosa simplex 5B, with muscular dystrophy. Last evaluated: 2020-08-29. Review status: criteria provided, single submitter. Criteria: Invitae Variant Classification Sherloc (09022015). Collection method: clinical testing. Allele origin: germline.
Comment: In summary, the available evidence is currently insufficient to determine the role of this variant in disease. Therefore, it has been classified as a Variant of Uncertain Significance. Algorithms developed to predict the effect of missense changes on protein structure and function are either unavailable or do not agree on the potential impact of this missense change (SIFT: "Tolerated"; PolyPhen-2: "Not Available"; Align-GVGD: "Class C0"). This variant has not been reported in the literature in individuals with PLEC-related conditions. This variant is not present in population databases (ExAC no frequency). This sequence change replaces threonine with arginine at codon 36 of the PLEC protein (p.Thr36Arg). The threonine residue is weakly conserved and there is a moderate physicochemical difference between threonine and arginine.